The following is an entry in ClinVar:

ClinVar aggregate classification (germline): Uncertain significance (1 of 4 stars; one submission).

gnomAD v4.1: 1 of 1,211,637 alleles (0.000083%); no homozygotes.

Submission:

Labcorp Genetics (formerly Invitae), Labcorp
Classification: Uncertain significance. Last evaluated: 2024-06-07. Review status: criteria provided, single submitter. Criteria: Invitae Variant Classification Sherloc (09022015). Collection method: clinical testing. Allele origin: germline.
Comment: This sequence change replaces cysteine, which is neutral and slightly polar, with arginine, which is basic and polar, at codon 504 of the CLCN4 protein (p.Cys504Arg). This variant is present in population databases (no rsID available, gnomAD 0.006%). This variant has not been reported in the literature in individuals affected with CLCN4-related conditions. Advanced modeling of protein sequence and biophysical properties (such as structural, functional, and spatial information, amino acid conservation, physicochemical variation, residue mobility, and thermodynamic stability) has been performed at Invitae for this missense variant, however the output from this modeling did not meet the statistical confidence thresholds required to predict the impact of this variant on CLCN4 protein function. In summary, the available evidence is currently insufficient to determine the role of this variant in disease. Therefore, it has been classified as a Variant of Uncertain Significance.

NM_001830.4(CLCN4):c.1510T>C (p.Cys504Arg)

Gene: CLCN4 (chloride voltage-gated channel 4; plus strand). Cytogenetic location: Xp22.2.
Variant type: single nucleotide variant.
Coding change: c.1510T>C on transcript NM_001830.4 (MANE Select); coding-DNA position 1510, T replaced by C.
Protein change: p.Cys504Arg; replaces cysteine 504 with arginine.
Molecular consequence: missense variant.
Genome position (GRCh38, 1-based): chrX:10,212,587, T>C. VCF-style: chrX-10212587-T-C. GRCh37 (hg19) VCF-style: chrX-10180627-T-C.
Other names: c.1228T>C, p.Cys410Arg (NM_001256944.2); short protein forms C410R, C504R.
Identifiers: ClinVar variation 3655845 (VCV003655845.2).